The following is an entry in ClinVar:

ClinVar aggregate classification (germline): Uncertain significance (1 of 4 stars; one submission).

Allele frequency attached by ClinVar (database versions not stated): gnomAD exomes below 0.00001; ExAC 0.00001.
gnomAD v4.1: 4 of 1,613,398 alleles (0.00025%); highest among the groups gnomAD compares: Non-Finnish European, 0.00034%; no homozygotes.

Submission:

Labcorp Genetics (formerly Invitae), Labcorp
Classification: Uncertain significance. Last evaluated: 2023-11-06. Review status: criteria provided, single submitter. Criteria: Invitae Variant Classification Sherloc (09022015). Collection method: clinical testing. Allele origin: germline.
Comment: This sequence change replaces glutamic acid, which is acidic and polar, with lysine, which is basic and polar, at codon 199 of the CLCNKB protein (p.Glu199Lys). This variant is present in population databases (rs751375763, gnomAD 0.0009%). This variant has not been reported in the literature in individuals affected with CLCNKB-related conditions. Advanced modeling of protein sequence and biophysical properties (such as structural, functional, and spatial information, amino acid conservation, physicochemical variation, residue mobility, and thermodynamic stability) performed at Invitae indicates that this missense variant is not expected to disrupt CLCNKB protein function with a negative predictive value of 80%. In summary, the available evidence is currently insufficient to determine the role of this variant in disease. Therefore, it has been classified as a Variant of Uncertain Significance.

NM_000085.5(CLCNKB):c.595G>A (p.Glu199Lys)

Genes: CLCNKB (chloride voltage-gated channel Kb; plus strand), LOC106501713 (CLCNKB recombination region; plus strand). Cytogenetic location: 1p36.13.
Variant type: single nucleotide variant.
Coding change: c.595G>A on transcript NM_000085.5 (MANE Select); coding-DNA position 595, G replaced by A.
Protein change: p.Glu199Lys; replaces glutamic acid 199 with lysine.
Molecular consequence: missense variant.
Genome position (GRCh38, 1-based): chr1:16,048,522, G>A. VCF-style: chr1-16048522-G-A. GRCh37 (hg19) VCF-style: chr1-16375017-G-A.
Other names: short protein forms E199K.
Identifiers: ClinVar variation 2820554 (VCV002820554.3), dbSNP rs751375763, ClinGen allele CA623389.